The following is an entry in ClinVar:

ClinVar aggregate classification (germline): Uncertain significance (1 of 4 stars; one submission).

Allele frequency attached by ClinVar (database versions not stated): gnomAD 0.00001.
gnomAD v4.1: 1 of 1,613,972 alleles (0.000062%); highest among the groups gnomAD compares: African/African-American, 0.0013%; no homozygotes.

Submission:

Labcorp Genetics (formerly Invitae), Labcorp
Classification: Uncertain significance. Last evaluated: 2022-07-26. Review status: criteria provided, single submitter. Criteria: Invitae Variant Classification Sherloc (09022015). Collection method: clinical testing. Allele origin: germline.
Comment: This sequence change replaces proline, which is neutral and non-polar, with serine, which is neutral and polar, at codon 2676 of the USH2A protein (p.Pro2676Ser). This variant is not present in population databases (gnomAD no frequency). This variant has not been reported in the literature in individuals affected with USH2A-related conditions. ClinVar contains an entry for this variant (Variation ID: 1394680). Algorithms developed to predict the effect of missense changes on protein structure and function (SIFT, PolyPhen-2, Align-GVGD) all suggest that this variant is likely to be disruptive. In summary, the available evidence is currently insufficient to determine the role of this variant in disease. Therefore, it has been classified as a Variant of Uncertain Significance.

NM_206933.4(USH2A):c.8026C>T (p.Pro2676Ser)

Gene: USH2A (usherin; minus strand). Cytogenetic location: 1q41.
Variant type: single nucleotide variant.
Coding change: c.8026C>T on transcript NM_206933.4 (MANE Select); coding-DNA position 8026, C replaced by T.
Protein change: p.Pro2676Ser; replaces proline 2676 with serine.
Molecular consequence: missense variant.
Genome position (GRCh38, 1-based): chr1:215,888,623, G>A on the plus strand (C>T on the coding strand, the complement: USH2A is on the minus strand). VCF-style: chr1-215888623-G-A. GRCh37 (hg19) VCF-style: chr1-216061965-G-A.
Other names: short protein forms P2676S.
Identifiers: ClinVar variation 1394680 (VCV001394680.5), dbSNP rs1251197997, ClinGen allele CA344839189.